The following is an entry in ClinVar:

NM_001040142.2(SCN2A):c.1511G>A (p.Arg504Lys)

Gene: SCN2A (sodium voltage-gated channel alpha subunit 2; plus strand). Cytogenetic location: 2q24.3.
Variant type: single nucleotide variant.
Coding change: c.1511G>A on transcript NM_001040142.2 (MANE Select); coding-DNA position 1511, G replaced by A.
Protein change: p.Arg504Lys; replaces arginine 504 with lysine.
Molecular consequence: missense variant.
Genome position (GRCh38, 1-based): chr2:165,315,598, G>A. VCF-style: chr2-165315598-G-A. GRCh37 (hg19) VCF-style: chr2-166172108-G-A.
Other names: c.1511G>A, p.Arg504Lys (NM_001040143.2, NM_001371246.1, NM_001371247.1 and 1 more transcripts); short protein forms R504K.
Identifiers: ClinVar variation 1719228 (VCV001719228.6), dbSNP rs1574572302, ClinGen allele CA349023243.

ClinVar aggregate classification (germline): Uncertain significance (1 of 4 stars; one submission).

Conditions:
Seizures, benign familial infantile, 3 (BFIS3). Also called: CONVULSIONS, BENIGN FAMILIAL INFANTILE, 3; Familial neonatal seizures. Identifiers: Orphanet 140927, Orphanet 306, MedGen C1843140, MONDO:0011904, OMIM 607745.
Developmental and epileptic encephalopathy, 11 (DEE11). Also called: Early infantile epileptic encephalopathy 11. Identifiers: Orphanet 1934, MedGen C3150987, MONDO:0013388, OMIM 613721.

Submission:

Labcorp Genetics (formerly Invitae), Labcorp
Classification: Uncertain significance for Seizures, benign familial infantile, 3; Developmental and epileptic encephalopathy, 11. Last evaluated: 2022-09-15. Review status: criteria provided, single submitter. Criteria: Invitae Variant Classification Sherloc (09022015). Collection method: clinical testing. Allele origin: germline.
Comment: This sequence change replaces arginine, which is basic and polar, with lysine, which is basic and polar, at codon 504 of the SCN2A protein (p.Arg504Lys). This variant is not present in population databases (gnomAD no frequency). This missense change has been observed in individual(s) with SCN2A-related conditions (Invitae). Advanced modeling of protein sequence and biophysical properties (such as structural, functional, and spatial information, amino acid conservation, physicochemical variation, residue mobility, and thermodynamic stability) has been performed at Invitae for this missense variant, however the output from this modeling did not meet the statistical confidence thresholds required to predict the impact of this variant on SCN2A protein function. In summary, the available evidence is currently insufficient to determine the role of this variant in disease. Therefore, it has been classified as a Variant of Uncertain Significance.